The following is an entry in ClinVar:

NM_000038.6(APC):c.3616A>C (p.Ser1206Arg)

Gene: APC (APC regulator of Wnt signaling pathway; plus strand). Cytogenetic location: 5q22.2.
Variant type: single nucleotide variant.
Coding change: c.3616A>C on transcript NM_000038.6 (MANE Select); coding-DNA position 3616, A replaced by C.
Protein change: p.Ser1206Arg; replaces serine 1206 with arginine.
Molecular consequence: missense variant.
Genome position (GRCh38, 1-based): chr5:112,839,210, A>C. VCF-style: chr5-112839210-A-C. GRCh37 (hg19) VCF-style: chr5-112174907-A-C.
Other names: c.3616A>C, p.Ser1206Arg (NM_001127510.3, NM_001354895.2); c.3562A>C, p.Ser1188Arg (NM_001127511.3); c.3670A>C, p.Ser1224Arg (NM_001354896.2); c.3646A>C, p.Ser1216Arg (NM_001354897.2); c.3541A>C, p.Ser1181Arg (NM_001354898.2); c.3532A>C, p.Ser1178Arg (NM_001354899.2); c.3493A>C, p.Ser1165Arg (NM_001354900.2); c.3439A>C, p.Ser1147Arg (NM_001354901.2); and 5 more; short protein forms S1165R, S1178R, S1206R, S1080R, S1188R, S1216R, S1046R, S1105R.
Identifiers: ClinVar variation 1491811 (VCV001491811.10), dbSNP rs901866497, ClinGen allele CA16029273.

ClinVar aggregate classification (germline): Uncertain significance. Review status: criteria provided, multiple submitters, no conflicts (2 of 4 stars). 2 submissions from 2 submitters: Uncertain significance (2). Last evaluated 2025-04-27.

Conditions:
Hereditary cancer-predisposing syndrome. Also called: Tumor predisposition; Hereditary neoplastic syndrome; Neoplastic Syndromes, Hereditary; Hereditary Cancer Syndrome. Identifiers: Orphanet 140162, MedGen C0027672, MeSH D009386, MONDO:0015356.
Familial adenomatous polyposis 1 (FAP1). Also called: FAMILIAL ADENOMATOUS POLYPOSIS 1, ATTENUATED; POLYPOSIS, ADENOMATOUS INTESTINAL. Identifiers: MedGen C2713442, MONDO:0021056, OMIM 175100. Disease mechanism: loss of function.

Allele frequency attached by ClinVar (database versions not stated): gnomAD 0.00001.
gnomAD v4.1: 1 of 1,614,094 alleles (0.000062%); highest among the groups gnomAD compares: African/African-American, 0.0013%; no homozygotes.

Submissions (2):

Labcorp Genetics (formerly Invitae), Labcorp
Classification: Uncertain significance for Familial adenomatous polyposis 1. Last evaluated: 2025-04-27. Review status: criteria provided, single submitter. Criteria: Invitae Variant Classification Sherloc (09022015). Collection method: clinical testing. Allele origin: germline.
Comment: This sequence change replaces serine, which is neutral and polar, with arginine, which is basic and polar, at codon 1206 of the APC protein (p.Ser1206Arg). This variant is not present in population databases (gnomAD no frequency). This variant has not been reported in the literature in individuals affected with APC-related conditions. ClinVar contains an entry for this variant (Variation ID: 1491811). Invitae Evidence Modeling of protein sequence and biophysical properties (such as structural, functional, and spatial information, amino acid conservation, physicochemical variation, residue mobility, and thermodynamic stability) indicates that this missense variant is not expected to disrupt APC protein function with a negative predictive value of 95%. In summary, the available evidence is currently insufficient to determine the role of this variant in disease. Therefore, it has been classified as a Variant of Uncertain Significance.

Ambry Genetics
Classification: Uncertain significance for Hereditary cancer-predisposing syndrome. Last evaluated: 2024-02-19. Review status: criteria provided, single submitter. Criteria: Ambry Variant Classification Scheme 2023. Collection method: clinical testing. Allele origin: germline.
Comment: The p.S1206R variant (also known as c.3616A>C), located in coding exon 15 of the APC gene, results from an A to C substitution at nucleotide position 3616. The serine at codon 1206 is replaced by arginine, an amino acid with dissimilar properties. This amino acid position is poorly conserved in available vertebrate species. In addition, in silico predictors for this gene do not accurately predict pathogenicity. Based on the available evidence, the clinical significance of this alteration remains unclear.

Literature cited by the submitters: PubMed 29684080 (cited by Ambry Genetics).